The following is an entry in ClinVar:

NM_004517.4(ILK):c.958C>A (p.Leu320Ile)

Genes: ILK (integrin linked kinase; plus strand), TAF10 (TATA-box binding protein associated factor 10; minus strand). Cytogenetic location: 11p15.4.
Variant type: single nucleotide variant.
Coding change: c.958C>A on transcript NM_004517.4 (MANE Select); coding-DNA position 958, C replaced by A.
Protein change: p.Leu320Ile; replaces leucine 320 with isoleucine.
Molecular consequence: missense variant. On other transcripts: 3 prime UTR variant (1).
Genome position (GRCh38, 1-based): chr11:6,609,825, C>A. VCF-style: chr11-6609825-C-A. GRCh37 (hg19) VCF-style: chr11-6631056-C-A.
Other names: c.958C>A, p.Leu320Ile (NM_001014794.3, NM_001014795.3); c.775C>A, p.Leu259Ile (NM_001278441.2); c.556C>A, p.Leu186Ile (NM_001278442.2); c.*1097G>T (NM_006284.4); short protein forms L186I, L259I, L320I.
Identifiers: ClinVar variation 1056292 (VCV001056292.10), dbSNP rs912510389, ClinGen allele CA379465777.

ClinVar aggregate classification (germline): Uncertain significance. Review status: criteria provided, multiple submitters, no conflicts (2 of 4 stars). 2 submissions from 2 submitters: Uncertain significance (2). Last evaluated 2025-10-26.

Conditions:
Primary familial hypertrophic cardiomyopathy (HCM). Identifiers: Orphanet 99739, MedGen C0949658, MeSH D024741, MONDO:0024573. Inheritance: Various modes of inheritance.

Allele frequency attached by ClinVar (database versions not stated): gnomAD exomes below 0.00001.
gnomAD v4.1: 5 of 1,614,230 alleles (0.00031%); highest among the groups gnomAD compares: Middle Eastern, 0.016%; no homozygotes.

Submissions (2):

Labcorp Genetics (formerly Invitae), Labcorp
Classification: Uncertain significance for Primary familial hypertrophic cardiomyopathy. Last evaluated: 2025-10-26. Review status: criteria provided, single submitter. Criteria: Invitae Variant Classification Sherloc (09022015). Collection method: clinical testing. Allele origin: germline.
Comment: This sequence change replaces leucine, which is neutral and non-polar, with isoleucine, which is neutral and non-polar, at codon 320 of the ILK protein (p.Leu320Ile). This variant is present in population databases (no rsID available, gnomAD 0.003%). This variant has not been reported in the literature in individuals affected with ILK-related conditions. ClinVar contains an entry for this variant (Variation ID: 1056292). An algorithm developed to predict the effect of missense changes on protein structure and function (PolyPhen-2) suggests that this variant is likely to be tolerated. In summary, the available evidence is currently insufficient to determine the role of this variant in disease. Therefore, it has been classified as a Variant of Uncertain Significance.

Ambry Genetics
Classification: Uncertain significance. Last evaluated: 2024-09-30. Review status: criteria provided, single submitter. Criteria: Ambry Variant Classification Scheme 2023. Collection method: clinical testing. Allele origin: germline.
Comment: The p.L320I variant (also known as c.958C>A), located in coding exon 9 of the ILK gene, results from a C to A substitution at nucleotide position 958. The leucine at codon 320 is replaced by isoleucine, an amino acid with highly similar properties. This amino acid position is conserved. In addition, this alteration is predicted to be deleterious by in silico analysis. Since supporting evidence is limited at this time, the clinical significance of this alteration remains unclear.